The following is an entry in ClinVar:

NM_000443.4(ABCB4):c.2936C>A (p.Ala979Glu)

Gene: ABCB4 (ATP binding cassette subfamily B member 4; minus strand). Cytogenetic location: 7q21.12.
Variant type: single nucleotide variant.
Coding change: c.2936C>A on transcript NM_000443.4 (MANE Select); coding-DNA position 2936, C replaced by A.
Protein change: p.Ala979Glu; replaces alanine 979 with glutamic acid.
Molecular consequence: missense variant.
Genome position (GRCh38, 1-based): chr7:87,409,381, G>T on the plus strand (C>A on the coding strand, the complement: ABCB4 is on the minus strand). VCF-style: chr7-87409381-G-T. GRCh37 (hg19) VCF-style: chr7-87038697-G-T.
Other names: c.2936C>A, p.Ala979Glu (NM_018849.3); c.2795C>A, p.Ala932Glu (NM_018850.3); c.2936C>A (NM_000443.3); short protein forms A979E, A932E.
Identifiers: ClinVar variation 596624 (VCV000596624.7), dbSNP rs374711909, ClinGen allele CA4326892.
Genomic context (GRCh38, chr7:87,409,381, plus strand): 5'-TTAGCATAGTCTGGAGCAAATGAACTGGCATGTCCTAGAGCCACTGCACCAAATACAATT[G>T]CAGAAAACACCCTAGACAGAAGTAGAGGAATTCAAAAATTAGCTTTTATAATTAACTCCA-3'
Protein context (NP_000434.1, residues 969-989): RFRDVILVFS[Ala979Glu]IVFGAVALGH

ClinVar aggregate classification (germline): Uncertain significance. Review status: criteria provided, multiple submitters, no conflicts (2 of 4 stars). 3 submissions from 3 submitters: Uncertain significance (3). Last evaluated 2025-04-10.

Conditions:
ABCB4-related disorder. Also called: ABCB4-related disorders; ABCB4-related condition.

Allele frequency attached by ClinVar (database versions not stated): gnomAD exomes 0.00001; ExAC 0.00002; TOPMed 0.00002; gnomAD 0.00003; ESP Exome Variant Server 0.00008.
gnomAD v4.1: 4 of 1,613,808 alleles (0.00025%); highest among the groups gnomAD compares: African/African-American, 0.0053%; no homozygotes.

Submissions (3):

PreventionGenetics, part of Exact Sciences
Classification: Uncertain significance for ABCB4-related condition. Last evaluated: 2025-04-10. Review status: criteria provided, single submitter. Criteria: ACMG Guidelines, 2015. Collection method: clinical testing. Allele origin: germline.
Comment: The ABCB4 c.2936C>A variant is predicted to result in the amino acid substitution p.Ala979Glu. To our knowledge, this variant has not been reported in the literature. This variant is reported in 0.012% of alleles in individuals of African descent in gnomAD. At this time, the clinical significance of this variant is uncertain due to the absence of conclusive functional and genetic evidence.

GeneDx
Classification: Uncertain significance. Last evaluated: 2024-12-24. Review status: criteria provided, single submitter. Criteria: GeneDx Variant Classification Process June 2021. Collection method: clinical testing. Allele origin: germline. Affected: yes.
Comment: In silico analysis supports that this missense variant has a deleterious effect on protein structure/function; Has not been previously published as pathogenic or benign to our knowledge

Eurofins Ntd Llc (ga)
Classification: Uncertain significance. Last evaluated: 2018-03-23. Review status: criteria provided, single submitter. Criteria: EGL ClinVar v180209 classification definitions. Collection method: clinical testing. Allele origin: germline. Observed: 1 variant allele, 1 heterozygote.